The following is an entry in ClinVar:

NM_006593.4(TBR1):c.1543T>A (p.Ser515Thr)

Genes: TBR1 (T-box brain transcription factor 1; plus strand), LOC129935026 (ATAC-STARR-seq lymphoblastoid silent region 12060; plus strand). Cytogenetic location: 2q24.2.
Variant type: single nucleotide variant.
Coding change: c.1543T>A on transcript NM_006593.4 (MANE Select); coding-DNA position 1543, T replaced by A.
Protein change: p.Ser515Thr; replaces serine 515 with threonine.
Molecular consequence: missense variant.
Genome position (GRCh38, 1-based): chr2:161,423,721, T>A. VCF-style: chr2-161423721-T-A. GRCh37 (hg19) VCF-style: chr2-162280232-T-A.
Other names: short protein forms S515T.
Identifiers: ClinVar variation 3764465 (VCV003764465.1).

ClinVar aggregate classification (germline): Uncertain significance (1 of 4 stars; one submission).

Submission:

GeneDx
Classification: Uncertain significance. Last evaluated: 2024-08-21. Review status: criteria provided, single submitter. Criteria: GeneDx Variant Classification Process June 2021. Collection method: clinical testing. Allele origin: germline. Affected: yes.
Comment: Not observed at significant frequency in large population cohorts (gnomAD); In silico analysis indicates that this missense variant does not alter protein structure/function; Has not been previously published as pathogenic or benign to our knowledge